The following is an entry in ClinVar:

NM_000059.4(BRCA2):c.7409dup (p.Thr2471fs)

Gene: BRCA2 (BRCA2 DNA repair associated; plus strand). Cytogenetic location: 13q13.1.
Variant type: Duplication.
Coding change: c.7409dup on transcript NM_000059.4 (MANE Select); coding-DNA position 7409, one base duplicated (T; older notation c.7409dupT).
Protein change: p.Thr2471fs; shifts the reading frame from threonine 2471.
Molecular consequence: frameshift variant.
Genome position (GRCh38, 1-based): chr13:32,355,262, T duplicated; the last of 3 consecutive T bases (chr13:32,355,260-32,355,262); duplicating any one gives the same sequence. VCF-style (leftmost placement, unchanged base first): chr13-32355259-C-CT. GRCh37 (hg19) VCF-style: chr13-32929396-C-CT.
Other names: 7637insT; c.7409dupT (NM_000059.3); short protein forms T2471fs.
Identifiers: ClinVar variation 52320 (VCV000052320.18), dbSNP rs397507915, ClinGen allele CA025059.

ClinVar aggregate classification (germline): Pathogenic. Review status: reviewed by expert panel (3 of 4 stars). 8 submissions from 8 submitters: Pathogenic (1). 7 of the submissions do not count toward it. Last evaluated 2016-10-18.

Conditions:
Pancreatic cancer, susceptibility to, 2. Identifiers: Orphanet 1333, MedGen C3150546, MONDO:0013235, OMIM 613347.
Glioma susceptibility 3 (GLM3). Also called: Glioblastoma 3. Identifiers: Orphanet 182067, Orphanet 360, MedGen C2751641, MONDO:0013093, OMIM 613029.
Familial prostate cancer. Also called: Hereditary Prostate Cancer. Identifiers: MedGen C2931456, MONDO:0700275, OMIM 176807.
Breast-ovarian cancer, familial, susceptibility to, 2 (BROVCA2). Also called: BRCA2 Hereditary Breast and Ovarian Cancer. Identifiers: Orphanet 145, MedGen C2675520, MONDO:0012933, OMIM 612555. Disease mechanism: loss of function.
Fanconi anemia complementation group D1. Also called: BRCA2-Related Fanconi Anemia. Identifiers: Orphanet 319462, MedGen C1838457, MONDO:0011584, OMIM 605724.
Medulloblastoma (MDB). Also called: Medulloblastoma, somatic; MEDULLOBLASTOMA PREDISPOSITION SYNDROME. Identifiers: Orphanet 616, MedGen C0025149, MeSH D008527, MONDO:0007959, OMIM 155255, HP:0002885.
Wilms tumor 1 (WT1). Also called: Wilms tumor, somatic. Identifiers: Orphanet 654, MedGen CN033288, MONDO:0008679, OMIM 194070.
Familial cancer of breast. Also called: BREAST CANCER, FAMILIAL; hereditary breast carcinoma; Hereditary breast cancer. Identifiers: Orphanet 227535, MedGen C0346153, MONDO:0016419, OMIM 114480. Disease mechanism: loss of function.
Hereditary cancer-predisposing syndrome. Also called: Neoplastic Syndromes, Hereditary; Tumor predisposition; Hereditary Cancer Syndrome; Hereditary neoplastic syndrome. Identifiers: Orphanet 140162, MedGen C0027672, MeSH D009386, MONDO:0015356.
Hereditary breast ovarian cancer syndrome. Also called: Breast and ovarian cancer; Hereditary breast and ovarian cancer; Hereditary breast and ovarian cancer syndrome (HBOC); Hereditary breast and ovarian cancer syndrome; BRCA1- and BRCA2-Associated Hereditary Breast and Ovarian Cancer; Hereditary breast and/or ovarian cancer syndrome. Identifiers: Orphanet 145, MedGen C0677776, MeSH D061325, MONDO:0003582. Disease mechanism: loss of function.

Submissions (8):

Evidence-based Network for the Interpretation of Germline Mutant Alleles (ENIGMA)
Classification: Pathogenic for Breast-ovarian cancer, familial, susceptibility to, 2. Last evaluated: 2016-10-18. Review status: reviewed by expert panel. Criteria: ENIGMA BRCA1/2 Classification Criteria (2015). Collection method: curation. Allele origin: germline.
Comment: Variant allele predicted to encode a truncated non-functional protein.

Medical and Scientific Branch, Hong Kong Genome Institute
Classification: Likely pathogenic for Wilms tumor 1. Last evaluated: 2026-01-26. Review status: criteria provided, single submitter. Criteria: ACMG Guidelines, 2015. Collection method: clinical testing. Allele origin: maternal. Affected: yes. Not counted in ClinVar's aggregate classification.

Labcorp Genetics (formerly Invitae), Labcorp
Classification: Pathogenic for Hereditary breast ovarian cancer syndrome. Last evaluated: 2025-06-26. Review status: criteria provided, single submitter. Criteria: Invitae Variant Classification Sherloc (09022015). Collection method: clinical testing. Allele origin: germline. Not counted in ClinVar's aggregate classification.
Comment: This sequence change creates a premature translational stop signal (p.Thr2471Hisfs*4) in the BRCA2 gene. It is expected to result in an absent or disrupted protein product. Loss-of-function variants in BRCA2 are known to be pathogenic (PMID: 20104584). This variant is not present in population databases (gnomAD no frequency). This premature translational stop signal has been observed in individual(s) with clinical features of hereditary breast and ovarian cancer syndrome (PMID: 22970155, 28724667, 30720863). This variant is also known as c.7407dupT (p.T2469fs). ClinVar contains an entry for this variant (Variation ID: 52320). For these reasons, this variant has been classified as Pathogenic.

Color Diagnostics, LLC DBA Color Health
Classification: Pathogenic for Hereditary cancer-predisposing syndrome. Last evaluated: 2024-01-08. Review status: criteria provided, single submitter. Criteria: ACMG Guidelines, 2015. Collection method: clinical testing. Allele origin: germline. Not counted in ClinVar's aggregate classification.
Comment: This variant inserts 1 nucleotide in exon 14 of the BRCA2 gene, creating a frameshift and premature translation stop signal. This variant is expected to result in an absent or non-functional protein product. This variant has been reported in 4 individuals affected with breast cancer (PMID: 22970155, 25927356, 30720863). This variant has not been identified in the general population by the Genome Aggregation Database (gnomAD). Loss of BRCA2 function is a known mechanism of disease. Based on the available evidence, this variant is classified as Pathogenic.

Baylor Genetics
Classification: Pathogenic for Familial cancer of breast. Last evaluated: 2023-10-18. Review status: criteria provided, single submitter. Criteria: ACMG Guidelines, 2015. Collection method: clinical testing. Allele origin: unknown. Not counted in ClinVar's aggregate classification.

Ambry Genetics
Classification: Pathogenic for Hereditary cancer-predisposing syndrome. Last evaluated: 2022-04-20. Review status: criteria provided, single submitter. Criteria: Ambry Variant Classification Scheme 2023. Collection method: clinical testing. Allele origin: germline. Not counted in ClinVar's aggregate classification.
Comment: The c.7409dupT pathogenic mutation, located in coding exon 13 of the BRCA2 gene, results from a duplication of T at nucleotide position 7409, causing a translational frameshift with a predicted alternate stop codon (p.T2471Hfs*4). This mutation has been reported in multiple individuals of Asian descent with hereditary breast and/or ovarian cancer (Kwong A et al. PLoS ONE, 2012 Sep;7:e43994; Kim YC et al. Oncotarget, 2016 Feb;7:9600-12; Yang X et al. PLoS ONE, 2015 Apr;10:e0125571). This variant is considered to be rare based on population cohorts in the Genome Aggregation Database (gnomAD). This alteration is expected to result in loss of function by premature protein truncation or nonsense-mediated mRNA decay. As such, this alteration is interpreted as a disease-causing mutation.

Consortium of Investigators of Modifiers of BRCA1/2 (CIMBA), c/o University of Cambridge
Classification: Pathogenic for Breast-ovarian cancer, familial, susceptibility to, 2. Last evaluated: 2015-10-02. Review status: criteria provided, single submitter. Criteria: CIMBA Mutation Classification guidelines May 2016. Collection method: clinical testing. Allele origin: germline. Not counted in ClinVar's aggregate classification.

Juno Genomics, Hangzhou Juno Genomics, Inc
Classification: Pathogenic for Familial cancer of breast; Breast-ovarian cancer, familial, susceptibility to, 2; Glioma susceptibility 3; Medulloblastoma; Pancreatic cancer, susceptibility to, 2; Familial prostate cancer; Fanconi anemia complementation group D1; Wilms tumor 1. Review status: criteria provided, single submitter. Criteria: ACMG Guidelines, 2015. Collection method: clinical testing. Allele origin: germline. Not counted in ClinVar's aggregate classification.
Comment: Absent from controls (or at extremely low frequency if recessive) in Genome Aggregation Database.;Null variant in a gene where loss of function (LOF) is a known mechanism of disease.;The prevalence of the variant in affected individuals is significantly increased compared to the prevalence in controls.

Literature cited by the submitters: PubMed 20104584 (cited by Labcorp Genetics (formerly Invitae), Labcorp); PubMed 22970155 (cited by 3 submitters); PubMed 28724667 (cited by Labcorp Genetics (formerly Invitae), Labcorp); PubMed 30720863 (cited by Labcorp Genetics (formerly Invitae), Labcorp and Color Diagnostics, LLC DBA Color Health); PubMed 25927356 (cited by Color Diagnostics, LLC DBA Color Health and Ambry Genetics); PubMed 26848529 (cited by Ambry Genetics).